The following is an entry in ClinVar:

NM_138927.4(SON):c.1304T>C (p.Val435Ala)

Gene: SON (SON DNA and RNA binding protein; plus strand). Cytogenetic location: 21q22.11.
Variant type: single nucleotide variant.
Coding change: c.1304T>C on transcript NM_138927.4 (MANE Select); coding-DNA position 1304, T replaced by C.
Protein change: p.Val435Ala; replaces valine 435 with alanine.
Molecular consequence: missense variant. On other transcripts: non-coding transcript variant (1), intron variant (1).
Genome position (GRCh38, 1-based): chr21:33,550,535, T>C. VCF-style: chr21-33550535-T-C. GRCh37 (hg19) VCF-style: chr21-34922841-T-C.
Other names: c.1304T>C, p.Val435Ala (NM_001291411.2, NM_001412133.1, NM_032195.3 and 2 more transcripts); c.244+4156T>C (NM_001291412.3); short protein forms V435A.
Identifiers: ClinVar variation 2174592 (VCV002174592.5), dbSNP rs914453114, ClinGen allele CA320149957.

ClinVar aggregate classification (germline): Uncertain significance. Review status: criteria provided, multiple submitters, no conflicts (2 of 4 stars). 2 submissions from 2 submitters: Uncertain significance (2). Last evaluated 2026-06-12.

Allele frequency attached by ClinVar (database versions not stated): gnomAD 0.00001; gnomAD exomes 0.00001; TOPMed 0.00002.

Submissions (2):

Women's Health and Genetics/Laboratory Corporation of America, LabCorp
Classification: Uncertain significance. Last evaluated: 2026-06-12. Review status: criteria provided, single submitter. Criteria: LabCorp Variant Classification Summary - May 2015. Collection method: clinical testing. Allele origin: germline.
Comment: Variant summary: SON c.1304T>C (p.Val435Ala) results in a non-conservative amino acid change in the encoded protein sequence. Algorithms developed to predict the effect of missense changes on protein structure and function are either unavailable or do not agree on the potential impact of this missense change. The variant allele was found at a frequency of 8e-06 in 250698 control chromosomes. The available data on variant occurrences in the general population are insufficient to allow any conclusion about variant significance. To our knowledge, no occurrence of c.1304T>C in individuals affected with SON-related conditions and no experimental evidence demonstrating its impact on protein function have been reported. ClinVar contains an entry for this variant (Variation ID: 2174592). Based on the evidence outlined above, the variant was classified as uncertain significance.

Labcorp Genetics (formerly Invitae), Labcorp
Classification: Uncertain significance. Last evaluated: 2022-02-09. Review status: criteria provided, single submitter. Criteria: Invitae Variant Classification Sherloc (09022015). Collection method: clinical testing. Allele origin: germline.
Comment: In summary, the available evidence is currently insufficient to determine the role of this variant in disease. Therefore, it has been classified as a Variant of Uncertain Significance. Algorithms developed to predict the effect of missense changes on protein structure and function are either unavailable or do not agree on the potential impact of this missense change (SIFT: "Deleterious"; PolyPhen-2: "Benign"; Align-GVGD: "Class C0"). This variant has not been reported in the literature in individuals affected with SON-related conditions. This variant is present in population databases (no rsID available, gnomAD 0.01%). This sequence change replaces valine, which is neutral and non-polar, with alanine, which is neutral and non-polar, at codon 435 of the SON protein (p.Val435Ala).